The following is an entry in ClinVar:

ClinVar aggregate classification (germline): Uncertain significance (1 of 4 stars; one submission).

Conditions:
Cardiovascular phenotype. Identifiers: MedGen CN230736.

Submission:

Ambry Genetics
Classification: Uncertain significance for Cardiovascular phenotype. Last evaluated: 2023-12-15. Review status: criteria provided, single submitter. Criteria: Ambry Variant Classification Scheme 2023. Collection method: clinical testing. Allele origin: germline.
Comment: The p.M104I variant (also known as c.312G>A), located in coding exon 2 of the CYP27A1 gene, results from a G to A substitution at nucleotide position 312. The methionine at codon 104 is replaced by isoleucine, an amino acid with highly similar properties. This amino acid position is conserved. In addition, this alteration is predicted to be tolerated by in silico analysis. Since supporting evidence is limited at this time, the clinical significance of this alteration remains unclear.

NM_000784.4(CYP27A1):c.312G>A (p.Met104Ile)

Gene: CYP27A1 (cytochrome P450 family 27 subfamily A member 1; plus strand). Cytogenetic location: 2q35.
Variant type: single nucleotide variant.
Coding change: c.312G>A on transcript NM_000784.4 (MANE Select); coding-DNA position 312, G replaced by A.
Protein change: p.Met104Ile; replaces methionine 104 with isoleucine.
Molecular consequence: missense variant.
Genome position (GRCh38, 1-based): chr2:218,809,633, G>A. VCF-style: chr2-218809633-G-A. GRCh37 (hg19) VCF-style: chr2-219674356-G-A.
Other names: short protein forms M104I.
Identifiers: ClinVar variation 3232287 (VCV003232287.1), dbSNP rs2470223517, ClinGen allele CA350583174.